The following is an entry in ClinVar:

ClinVar aggregate classification (germline): Uncertain significance (1 of 4 stars; one submission).

Submission:

Ambry Genetics
Classification: Uncertain significance. Last evaluated: 2024-02-13. Review status: criteria provided, single submitter. Criteria: Ambry Variant Classification Scheme 2023. Collection method: clinical testing. Allele origin: germline.
Comment: The p.T464P variant (also known as c.1390A>C), located in coding exon 12 of the BUB1 gene, results from an A to C substitution at nucleotide position 1390. The threonine at codon 464 is replaced by proline, an amino acid with highly similar properties. This amino acid position is conserved. In addition, the in silico prediction for this alteration is inconclusive. Based on the available evidence, the clinical significance of this alteration remains unclear.

NM_004336.5(BUB1):c.1390A>C (p.Thr464Pro)

Gene: BUB1 (BUB1 mitotic checkpoint serine/threonine kinase; minus strand). Cytogenetic location: 2q13.
Variant type: single nucleotide variant.
Coding change: c.1390A>C on transcript NM_004336.5 (MANE Select); coding-DNA position 1390, A replaced by C.
Protein change: p.Thr464Pro; replaces threonine 464 with proline.
Molecular consequence: missense variant.
Genome position (GRCh38, 1-based): chr2:110,658,629, T>G on the plus strand (A>C on the coding strand, the complement: BUB1 is on the minus strand). VCF-style: chr2-110658629-T-G. GRCh37 (hg19) VCF-style: chr2-111416206-T-G.
Other names: c.1330A>C, p.Thr444Pro (NM_001278616.2); c.1390A>C, p.Thr464Pro (NM_001278617.2); short protein forms T444P, T464P.
Identifiers: ClinVar variation 3224000 (VCV003224000.1), dbSNP rs2468010207, ClinGen allele CA348212532.